The following is an entry in ClinVar:

NM_006231.4(POLE):c.5228A>C (p.His1743Pro)

Gene: POLE (DNA polymerase epsilon, catalytic subunit; minus strand). Cytogenetic location: 12q24.33.
Variant type: single nucleotide variant.
Coding change: c.5228A>C on transcript NM_006231.4 (MANE Select); coding-DNA position 5228, A replaced by C.
Protein change: p.His1743Pro; replaces histidine 1743 with proline.
Molecular consequence: missense variant.
Genome position (GRCh38, 1-based): chr12:132,641,797, T>G on the plus strand (A>C on the coding strand, the complement: POLE is on the minus strand). VCF-style: chr12-132641797-T-G. GRCh37 (hg19) VCF-style: chr12-133218383-T-G.
Other names: short protein forms H1743P.
Identifiers: ClinVar variation 2123105 (VCV002123105.4), dbSNP rs751529788, ClinGen allele CA387376391.

ClinVar aggregate classification (germline): Uncertain significance (1 of 4 stars; one submission).

Submission:

Labcorp Genetics (formerly Invitae), Labcorp
Classification: Uncertain significance. Last evaluated: 2022-10-25. Review status: criteria provided, single submitter. Criteria: Invitae Variant Classification Sherloc (09022015). Collection method: clinical testing. Allele origin: germline.
Comment: Advanced modeling of protein sequence and biophysical properties (such as structural, functional, and spatial information, amino acid conservation, physicochemical variation, residue mobility, and thermodynamic stability) performed at Invitae indicates that this missense variant is not expected to disrupt POLE protein function. This variant has not been reported in the literature in individuals affected with POLE-related conditions. This variant is not present in population databases (gnomAD no frequency). This sequence change replaces histidine, which is basic and polar, with proline, which is neutral and non-polar, at codon 1743 of the POLE protein (p.His1743Pro). In summary, the available evidence is currently insufficient to determine the role of this variant in disease. Therefore, it has been classified as a Variant of Uncertain Significance.